The following is an entry in ClinVar:

NM_001113378.2(FANCI):c.3044A>G (p.Lys1015Arg)

Gene: FANCI (FA complementation group I; plus strand). Cytogenetic location: 15q26.1.
Variant type: single nucleotide variant.
Coding change: c.3044A>G on transcript NM_001113378.2 (MANE Select); coding-DNA position 3044, A replaced by G.
Protein change: p.Lys1015Arg; replaces lysine 1015 with arginine.
Molecular consequence: missense variant.
Genome position (GRCh38, 1-based): chr15:89,303,901, A>G. VCF-style: chr15-89303901-A-G. GRCh37 (hg19) VCF-style: chr15-89847132-A-G.
Other names: c.2765A>G, p.Lys922Arg (NM_001376910.1); c.3044A>G, p.Lys1015Arg (NM_001376911.1); c.2864A>G, p.Lys955Arg (NM_018193.3); short protein forms K1015R, K922R, K955R.
Identifiers: ClinVar variation 1415103 (VCV001415103.7), dbSNP rs150387641, ClinGen allele CA7723563.

ClinVar aggregate classification (germline): Uncertain significance. Review status: criteria provided, multiple submitters, no conflicts (2 of 4 stars). 3 submissions from 3 submitters: Uncertain significance (3). Last evaluated 2022-04-28.

Conditions:
Fanconi anemia complementation group I (FANCI). Also called: FANCI-Related Fanconi Anemia. Identifiers: Orphanet 84, MedGen C1836861, MONDO:0012186, OMIM 609053.
Fanconi anemia (FA). Also called: Fanconi's anemia. Identifiers: Orphanet 84, MedGen C0015625, MeSH D005199, MONDO:0019391.

Allele frequency attached by ClinVar (database versions not stated): gnomAD exomes below 0.00001 and 0.00001; TOPMed below 0.00001; gnomAD 0.00001; ExAC 0.00003; ESP Exome Variant Server 0.00015.
gnomAD v4.1: 6 of 1,614,000 alleles (0.00037%); highest among the groups gnomAD compares: Non-Finnish European, 0.00042%; no homozygotes.

Submissions (3):

Labcorp Genetics (formerly Invitae), Labcorp
Classification: Uncertain significance for Fanconi anemia. Last evaluated: 2022-04-28. Review status: criteria provided, single submitter. Criteria: Invitae Variant Classification Sherloc (09022015). Collection method: clinical testing. Allele origin: germline.
Comment: This sequence change replaces lysine, which is basic and polar, with arginine, which is basic and polar, at codon 1015 of the FANCI protein (p.Lys1015Arg). This variant is present in population databases (rs150387641, gnomAD 0.004%). This variant has not been reported in the literature in individuals affected with FANCI-related conditions. Algorithms developed to predict the effect of missense changes on protein structure and function are either unavailable or do not agree on the potential impact of this missense change (SIFT: "Tolerated"; PolyPhen-2: "Possibly Damaging"; Align-GVGD: "Class C0"). Algorithms developed to predict the effect of sequence changes on RNA splicing suggest that this variant may disrupt the consensus splice site. In summary, the available evidence is currently insufficient to determine the role of this variant in disease. Therefore, it has been classified as a Variant of Uncertain Significance.

Fulgent Genetics
Classification: Uncertain significance for Fanconi anemia complementation group I. Last evaluated: 2021-08-06. Review status: criteria provided, single submitter. Criteria: ACMG Guidelines, 2015. Collection method: clinical testing. Allele origin: unknown.

Breakthrough Genomics
Classification: Uncertain significance. Review status: criteria provided, single submitter. Criteria: ACMG Guidelines, 2015. Collection method: not provided. Allele origin: germline. Inheritance: Autosomal recessive inheritance. Affected: yes.